The following is an entry in ClinVar:

NM_001005242.3(PKP2):c.875A>G (p.Gln292Arg)

Gene: PKP2 (plakophilin 2; minus strand). Cytogenetic location: 12p11.21.
Variant type: single nucleotide variant.
Coding change: c.875A>G on transcript NM_001005242.3 (MANE Select); coding-DNA position 875, A replaced by G.
Protein change: p.Gln292Arg; replaces glutamine 292 with arginine.
Molecular consequence: missense variant.
Genome position (GRCh38, 1-based): chr12:32,878,005, T>C on the plus strand (A>G on the coding strand, the complement: PKP2 is on the minus strand). VCF-style: chr12-32878005-T-C. GRCh37 (hg19) VCF-style: chr12-33030939-T-C.
Other names: c.875A>G, p.Gln292Arg (NM_001407155.1, NM_001407156.1, NM_001407157.1 and 2 more transcripts); c.548A>G, p.Gln183Arg (NM_001407158.1, NM_001407159.1, NM_001407160.1 and 1 more transcripts); short protein forms Q183R, Q292R.
Identifiers: ClinVar variation 2126541 (VCV002126541.4), dbSNP rs1292498500, ClinGen allele CA384362118.

ClinVar aggregate classification (germline): Uncertain significance (1 of 4 stars; one submission).

Conditions:
Arrhythmogenic right ventricular dysplasia 9 (ARVD9). Also called: Arrhythmogenic Right Ventricular Dysplasia/Cardiomyopathy 9; ARRHYTHMOGENIC RIGHT VENTRICULAR DYSPLASIA, FAMILIAL, 9. Identifiers: MedGen C1836906, MONDO:0012180, OMIM 609040.

Submission:

Labcorp Genetics (formerly Invitae), Labcorp
Classification: Uncertain significance for Arrhythmogenic right ventricular dysplasia 9. Last evaluated: 2022-04-17. Review status: criteria provided, single submitter. Criteria: Invitae Variant Classification Sherloc (09022015). Collection method: clinical testing. Allele origin: germline.
Comment: Algorithms developed to predict the effect of missense changes on protein structure and function output the following: SIFT: "Tolerated"; PolyPhen-2: "Benign"; Align-GVGD: "Class C0". The arginine amino acid residue is found in multiple mammalian species, which suggests that this missense change does not adversely affect protein function. This sequence change replaces glutamine, which is neutral and polar, with arginine, which is basic and polar, at codon 292 of the PKP2 protein (p.Gln292Arg). This variant is not present in population databases (gnomAD no frequency). This variant has not been reported in the literature in individuals affected with PKP2-related conditions. In summary, the available evidence is currently insufficient to determine the role of this variant in disease. Therefore, it has been classified as a Variant of Uncertain Significance.